The following is an entry in ClinVar:

ClinVar aggregate classification (germline): Likely pathogenic (1 of 4 stars; one submission).

Submission:

GeneDx
Classification: Likely pathogenic. Last evaluated: 2023-09-30. Review status: criteria provided, single submitter. Criteria: GeneDx Variant Classification Process June 2021. Collection method: clinical testing. Allele origin: germline. Affected: yes.
Comment: Has not been previously published as pathogenic or benign to our knowledge; Missense variants in this gene are often considered pathogenic (HGMD); In silico analysis supports that this missense variant has a deleterious effect on protein structure/function; Not observed at significant frequency in large population cohorts (gnomAD); This substitution is predicted to be within the C-terminal cytoplasmic domain

NM_001165963.4(SCN1A):c.5429A>G (p.Glu1810Gly)

Genes: SCN1A (sodium voltage-gated channel alpha subunit 1; minus strand), LOC102724058 (uncharacterized LOC102724058; plus strand). Cytogenetic location: 2q24.3.
Variant type: single nucleotide variant.
Coding change: c.5429A>G on transcript NM_001165963.4 (MANE Select); coding-DNA position 5429, A replaced by G.
Protein change: p.Glu1810Gly; replaces glutamic acid 1810 with glycine.
Molecular consequence: missense variant. On other transcripts: non-coding transcript variant (1).
Genome position (GRCh38, 1-based): chr2:165,991,846, T>C on the plus strand (A>G on the coding strand, the complement: SCN1A is on the minus strand). VCF-style: chr2-165991846-T-C. GRCh37 (hg19) VCF-style: chr2-166848356-T-C.
Other names: c.5345A>G, p.Glu1782Gly (NM_001165964.3, NM_001353957.2, NM_001353958.2); c.5429A>G, p.Glu1810Gly (NM_001202435.3, NM_001353948.2); c.5396A>G, p.Glu1799Gly (NM_001353949.2, NM_001353950.2, NM_001353951.2 and 2 more transcripts); c.5393A>G, p.Glu1798Gly (NM_001353954.2, NM_001353955.2); c.5342A>G, p.Glu1781Gly (NM_001353960.2); c.2987A>G, p.Glu996Gly (NM_001353961.2); short protein forms E1781G, E1782G, E1798G, E1799G, E1810G, E996G.
Identifiers: ClinVar variation 2581803 (VCV002581803.1), dbSNP rs2468331896, ClinGen allele CA349067622.
Genomic context (GRCh38, chr2:165,991,846, plus strand): 5'-TGAGATAATTTTTCAAATTCCATGAACTGAGTTGCATCGGGATCAAACTTCTCCCAAACC[T>C]CATAGAACATCTCAAAGTCATCCTCACTCAGAGGCTCTGCACTTTCTTCAGTAGCAACAC-3'
Protein context (NP_001159435.1, residues 1800-1820): LSEDDFEMFY[Glu1810Gly]VWEKFDPDAT